The following is an entry in ClinVar:

ClinVar aggregate classification (germline): Uncertain significance (1 of 4 stars; one submission).

Submission:

Labcorp Genetics (formerly Invitae), Labcorp
Classification: Uncertain significance. Last evaluated: 2024-03-03. Review status: criteria provided, single submitter. Criteria: Invitae Variant Classification Sherloc (09022015). Collection method: clinical testing. Allele origin: germline.
Comment: This sequence change replaces phenylalanine, which is neutral and non-polar, with serine, which is neutral and polar, at codon 192 of the KLHDC8B protein (p.Phe192Ser). This variant is not present in population databases (gnomAD no frequency). This variant has not been reported in the literature in individuals affected with KLHDC8B-related conditions. An algorithm developed to predict the effect of missense changes on protein structure and function (PolyPhen-2) suggests that this variant is likely to be tolerated. In summary, the available evidence is currently insufficient to determine the role of this variant in disease. Therefore, it has been classified as a Variant of Uncertain Significance.

NM_173546.3(KLHDC8B):c.575T>C (p.Phe192Ser)

Gene: KLHDC8B (kelch domain containing 8B; plus strand). Cytogenetic location: 3p21.31.
Variant type: single nucleotide variant.
Coding change: c.575T>C on transcript NM_173546.3 (MANE Select); coding-DNA position 575, T replaced by C.
Protein change: p.Phe192Ser; replaces phenylalanine 192 with serine.
Molecular consequence: missense variant.
Genome position (GRCh38, 1-based): chr3:49,174,775, T>C. VCF-style: chr3-49174775-T-C. GRCh37 (hg19) VCF-style: chr3-49212208-T-C.
Other names: short protein forms F192S.
Identifiers: ClinVar variation 3644393 (VCV003644393.2).
Genomic context (GRCh38, chr3:49,174,775, plus strand): 5'-TCCCAGGTACCCCAATTCCATTGACAGGGGGCCGCCAGGGCAAGCTCCCGGTGACTGCTT[T>C]TGAAGCCTTTGATCTGGAGGCCCGTACATGGACCCGGCATCCAAGCCTACCCAGCCGTCG-3'
Protein context (NP_775817.1, residues 182-202): GRQGKLPVTA[Phe192Ser]EAFDLEARTW